The following is an entry in ClinVar:

ClinVar aggregate classification (germline): Uncertain significance (1 of 4 stars; one submission).

Conditions:
POLD1-related polyposis and colorectal cancer syndrome (CRCS10). Also called: COLORECTAL CANCER, SUSCEPTIBILITY TO, ON CHROMOSOME 19q; Colorectal cancer 10; Colorectal cancer, susceptibility to, 10. Identifiers: Orphanet 220460, MedGen C2675481, MONDO:0012953, OMIM 612591.

gnomAD v4.1: 2 of 1,611,628 alleles (0.00012%); highest among the groups gnomAD compares: Non-Finnish European, 0.00017%; no homozygotes.

Submission:

Labcorp Genetics (formerly Invitae), Labcorp
Classification: Uncertain significance for POLD1-related polyposis and colorectal cancer syndrome. Last evaluated: 2025-10-01. Review status: criteria provided, single submitter. Criteria: Invitae Variant Classification Sherloc (09022015). Collection method: clinical testing. Allele origin: germline.
Comment: This sequence change affects an acceptor splice site in intron 10 of the POLD1 gene. Missense variants that disrupt the 3'-5' exonuclease (proof-reading) activity of the POLD1 protein are associated with PPAP (polymerase proofreading–associated polyposis) (PMID: 23263490, 23447401). However, loss-of-function variants that result in an absent or severely disrupted POLD1 protein, and missense variants outside the exonuclease domain, are unlikely to be associated with PPAP. This variant is not present in population databases (gnomAD no frequency). This variant has not been reported in the literature in individuals affected with POLD1-related conditions. Algorithms developed to predict the effect of sequence changes on RNA splicing suggest that this variant may disrupt the consensus splice site. In summary, the available evidence is currently insufficient to determine the role of this variant in disease. Therefore, it has been classified as a Variant of Uncertain Significance.

Literature cited by the submitters: PubMed 23263490; PubMed 23447401.

NM_002691.4(POLD1):c.1243-2A>G

Gene: POLD1 (DNA polymerase delta 1, catalytic subunit; plus strand). Cytogenetic location: 19q13.33.
Variant type: single nucleotide variant.
Coding change: c.1243-2A>G on transcript NM_002691.4 (MANE Select); the canonical splice acceptor site of the intron before coding-DNA position 1243, A replaced by G.
Molecular consequence: splice acceptor variant.
Genome position (GRCh38, 1-based): chr19:50,406,180, A>G. VCF-style: chr19-50406180-A-G. GRCh37 (hg19) VCF-style: chr19-50909437-A-G.
Other names: c.1243-2A>G (NM_001256849.1, NM_001438212.1, NM_001438213.1 and 3 more transcripts).
Identifiers: ClinVar variation 4728208 (VCV004728208.1).
Genomic context (GRCh38, chr19:50,406,180, plus strand): 5'-GTTCTTCAGGCTTATGTGACGGGGACCCGCAGCCTGCTGCACACCCTGCCTCTCCTCCTC[A>G]GGTACAAACATTCCCTTTCCTGGGCCGTGTGGCCGGCCTTTGCTCCAACATCCGGGACTC-3'